The following is an entry in ClinVar:

ClinVar aggregate classification (germline): Likely benign (1 of 4 stars; one submission).

Submission:

GeneDx
Classification: Likely benign. Last evaluated: 2017-06-16. Review status: criteria provided, single submitter. Criteria: GeneDx Variant Classification (06012015). Collection method: clinical testing. Allele origin: germline. Affected: yes.
Comment: This variant is considered likely benign or benign based on one or more of the following criteria: it is a conservative change, it occurs at a poorly conserved position in the protein, it is predicted to be benign by multiple in silico algorithms, and/or has population frequency not consistent with disease.

NM_001376.5(DYNC1H1):c.6930G>A (p.Glu2310=)

Gene: DYNC1H1 (dynein cytoplasmic 1 heavy chain 1; plus strand). Cytogenetic location: 14q32.31.
Variant type: single nucleotide variant.
Coding change: c.6930G>A on transcript NM_001376.5 (MANE Select); coding-DNA position 6930, G replaced by A.
Protein change: p.Glu2310=; no amino-acid change (glutamic acid 2310 retained).
Molecular consequence: synonymous variant.
Genome position (GRCh38, 1-based): chr14:102,012,386, G>A. VCF-style: chr14-102012386-G-A. GRCh37 (hg19) VCF-style: chr14-102478723-G-A.
Identifiers: ClinVar variation 518052 (VCV000518052.1), dbSNP rs981974629, ClinGen allele CA487971807.